The following is an entry in ClinVar:

ClinVar aggregate classification (germline): Uncertain significance. Review status: criteria provided, multiple submitters, no conflicts (2 of 4 stars). 11 submissions from 11 submitters: Uncertain significance (11). Last evaluated 2026-06-01.

Conditions:
Hereditary cancer-predisposing syndrome. Also called: Hereditary Cancer Syndrome; Tumor predisposition; Neoplastic Syndromes, Hereditary; Hereditary neoplastic syndrome. Identifiers: Orphanet 140162, MedGen C0027672, MeSH D009386, MONDO:0015356.
Cardiovascular phenotype. Identifiers: MedGen CN230736.
Noonan syndrome 10 (NS10). Identifiers: Orphanet 648, MedGen C4225280, MONDO:0014693, OMIM 616564.
LZTR1-related schwannomatosis. Also called: Schwannomatosis-2, susceptibility to; Schwannomatosis 2. Identifiers: Orphanet 93921, MedGen C3810283, MONDO:0014299, OMIM 615670.
Noonan syndrome 2 (NS2). Identifiers: Orphanet 648, MedGen C1854469, MONDO:0011531, OMIM 605275.

Allele frequency attached by ClinVar (database versions not stated): ExAC 0.00002; gnomAD exomes 0.00003 and 0.00004; TOPMed 0.00009; gnomAD 0.00010.
gnomAD v4.1: 63 of 1,613,520 alleles (0.0039%); highest among the groups gnomAD compares: African/African-American, 0.017%; no homozygotes.

Submissions (11):

CeGaT Center for Human Genetics Tuebingen
Classification: Uncertain significance. Last evaluated: 2026-06-01. Review status: criteria provided, single submitter. Criteria: CeGaT Center For Human Genetics Tuebingen Variant Classification Criteria Version 2. Collection method: clinical testing. Allele origin: germline. Affected: yes. Observed: 1 variant allele.
Comment: LZTR1: PM2, PP3

Victorian Clinical Genetics Services, Murdoch Childrens Research Institute
Classification: Uncertain significance for Noonan syndrome 2. Last evaluated: 2026-03-02. Review status: criteria provided, single submitter. Criteria: ACMG Guidelines, 2015. Collection method: clinical testing. Allele origin: germline. Affected: yes.
Comment: This variant is classified as VUS-3B. Evidence in support of pathogenic classification: Variant is present in gnomAD <0.01 (v4: 63 heterozygote(s), 0 homozygote(s)). Additional information: Variant is predicted to result in a missense amino acid change from Thr to Met; This variant is heterozygous; This gene is associated with both recessive and dominant disease; Previous evidence of pathogenicity for this variant is inconclusive. This variant has been classified as a VUS by multiple clinical laboratories in ClinVar. This variant has also been reported in the literature in an individual with intellectual disability, reportedly maternally inherited; however, it is unclear if the mother is also affected (PMID: 30564305); No published functional evidence has been identified for this variant; Another missense variant(s) comparable to the one identified in this case has inconclusive previous evidence for pathogenicity. p.(Thr769Lys) has been classified as a VUS by a clinical laboratory in ClinVar. - Variant is located in the annotated second BACK domain (NCBI). - Missense variant with inconclusive in silico prediction and/or uninformative conservation; Loss of function is a known mechanism of disease in this gene and is associated with autosomal recessive Noonan syndrome 2 (MIM#605275). Dominant negative is the suspected mechanism for autosomal dominant Noonan syndrome 10 (MIM#616564); Inheritance information for this variant is not currently available in this individual.

Labcorp Genetics (formerly Invitae), Labcorp
Classification: Uncertain significance. Last evaluated: 2025-01-19. Review status: criteria provided, single submitter. Criteria: Invitae Variant Classification Sherloc (09022015). Collection method: clinical testing. Allele origin: germline.
Comment: This sequence change replaces threonine, which is neutral and polar, with methionine, which is neutral and non-polar, at codon 769 of the LZTR1 protein (p.Thr769Met). This variant is present in population databases (rs531211534, gnomAD 0.02%). This missense change has been observed in individual(s) with clinical features of intellectual disability (PMID: 30564305). ClinVar contains an entry for this variant (Variation ID: 1401826). Invitae Evidence Modeling of protein sequence and biophysical properties (such as structural, functional, and spatial information, amino acid conservation, physicochemical variation, residue mobility, and thermodynamic stability) indicates that this missense variant is not expected to disrupt LZTR1 protein function with a negative predictive value of 80%. In summary, the available evidence is currently insufficient to determine the role of this variant in disease. Therefore, it has been classified as a Variant of Uncertain Significance.

St. Jude Molecular Pathology, St. Jude Children's Research Hospital
Classification: Uncertain significance for Noonan syndrome 10. Last evaluated: 2024-11-14. Review status: criteria provided, single submitter. Criteria: St. Jude Assertion Criteria 2020. Collection method: clinical testing. Allele origin: germline.
Comment: The LZTR1 c.2306C>T (p.Thr769Met) missense change has a maximum subpopulation frequency of 0.02% in gnomAD v2.1.1. The in silico tool REVEL is inconclusive about a pathogenic or benign effect of this variant on protein function, and to our knowledge functional studies have not been performed. To our knowledge, this variant has not been reported in individuals with Noonan syndrome or schwannomatosis. In summary, the evidence currently available is insufficient to determine the clinical significance of this variant. It has therefore been classified as of uncertain significance.

Ambry Genetics
Classification: Uncertain significance for Cardiovascular phenotype; Hereditary cancer-predisposing syndrome. Last evaluated: 2024-09-18. Review status: criteria provided, single submitter. Criteria: Ambry Variant Classification Scheme 2023. Collection method: clinical testing. Allele origin: germline.
Comment: The p.T769M variant (also known as c.2306C>T), located in coding exon 19 of the LZTR1 gene, results from a C to T substitution at nucleotide position 2306. The threonine at codon 769 is replaced by methionine, an amino acid with similar properties. This amino acid position is highly conserved in available vertebrate species. In addition, the in silico prediction for this alteration is inconclusive. Based on the available evidence, the clinical significance of this variant remains unclear.

Baylor Genetics
Classification: Uncertain significance for LZTR1-related schwannomatosis. Last evaluated: 2024-03-04. Review status: criteria provided, single submitter. Criteria: ACMG Guidelines, 2015. Collection method: clinical testing. Allele origin: unknown.

GeneDx
Classification: Uncertain significance. Last evaluated: 2024-01-24. Review status: criteria provided, single submitter. Criteria: GeneDx Variant Classification Process June 2021. Collection method: clinical testing. Allele origin: germline.
Comment: In silico analysis supports that this missense variant has a deleterious effect on protein structure/function; This variant is associated with the following publications: (PMID: 31911633, 29146900, 30564305)

Blueprint Genetics
Classification: Uncertain significance. Last evaluated: 2024-01-23. Review status: criteria provided, single submitter. Criteria: ACMG Guidelines, 2015. Collection method: clinical testing. Allele origin: germline.

Fulgent Genetics
Classification: Uncertain significance for Noonan syndrome 2; LZTR1-related schwannomatosis; Noonan syndrome 10. Last evaluated: 2024-01-06. Review status: criteria provided, single submitter. Criteria: ACMG Guidelines, 2015. Collection method: clinical testing. Allele origin: germline.

Revvity Omics, Revvity
Classification: Uncertain significance. Last evaluated: 2021-04-22. Review status: criteria provided, single submitter. Criteria: ACMG Guidelines, 2015. Collection method: clinical testing. Allele origin: germline.

Breakthrough Genomics
Classification: Uncertain significance. Review status: criteria provided, single submitter. Criteria: ACMG Guidelines, 2015. Collection method: not provided. Allele origin: germline. Inheritance: Autosomal dominant inheritance. Affected: yes.

Literature cited by the submitters: PubMed 30564305 (cited by 3 submitters); PubMed 29146900 (cited by Ambry Genetics); PubMed 31911633 (cited by Ambry Genetics).

NM_006767.4(LZTR1):c.2306C>T (p.Thr769Met)

Gene: LZTR1 (leucine zipper like post translational regulator 1; plus strand). Cytogenetic location: 22q11.21.
Variant type: single nucleotide variant.
Coding change: c.2306C>T on transcript NM_006767.4 (MANE Select); coding-DNA position 2306, C replaced by T.
Protein change: p.Thr769Met; replaces threonine 769 with methionine.
Molecular consequence: missense variant.
Genome position (GRCh38, 1-based): chr22:20,996,782, C>T. VCF-style: chr22-20996782-C-T. GRCh37 (hg19) VCF-style: chr22-21351071-C-T.
Other names: short protein forms T769M.
Identifiers: ClinVar variation 1401826 (VCV001401826.21), dbSNP rs531211534, ClinGen allele CA10119334.